The following is an entry in ClinVar:

NM_001244008.2(KIF1A):c.222_223insGAC (p.Tyr74_Arg75insAsp)

Gene: KIF1A (kinesin family member 1A; minus strand). Cytogenetic location: 2q37.3.
Variant type: Insertion.
Coding change: c.222_223insGAC on transcript NM_001244008.2 (MANE Select); coding-DNA positions 222 to 223, GAC inserted.
Protein change: p.Tyr74_Arg75insAsp.
Molecular consequence: inframe insertion.
Genome position: GRCh38 VCF-style: chr2-240788191-G-GGTC. GRCh37 (hg19) VCF-style: chr2-241727608-G-GGTC.
Other names: c.222_223insGAC, p.Tyr74_Arg75insAsp (NM_001320705.2, NM_001330289.2, NM_001330290.2 and 20 more transcripts).
Identifiers: ClinVar variation 422856 (VCV000422856.2), dbSNP rs1064796046, ClinGen allele CA16617513.

ClinVar aggregate classification (germline): Pathogenic (1 of 4 stars; one submission).

Submission:

GeneDx
Classification: Pathogenic. Last evaluated: 2016-12-06. Review status: criteria provided, single submitter. Criteria: GeneDx Variant Classification (06012015). Collection method: clinical testing. Allele origin: germline. Affected: yes.
Comment: The c.222_223insGAC variant in the KIF1A gene has not been reported previously as a pathogenic variant nor as a benign variant, to our knowledge. The c.222_223insGAC variant causes an in-frame insertion of an Aspartic Acid residue between codons Tyrosine 74 and Arginine 75, denoted p.Tyr74_Arg75insAsp. The c.222_223insGAC variant is located in the kinesin motor domain, a functionally important region of the protein (Hamdan et al., 2011). The c.222_223insGAC variant was not observed in approximately 6500 individuals of European and African American ancestry in the NHLBI Exome Sequencing Project, indicating it is not a common benign variant in these populations. We interpret c.222_223insGAC as a pathogenic variant